The following is an entry in ClinVar:

NM_001379210.1(SLC25A26):c.634-306C>T

Gene: SLC25A26 (solute carrier family 25 member 26; plus strand). Cytogenetic location: 3p14.1.
Variant type: single nucleotide variant.
Coding change: c.634-306C>T on transcript NM_001379210.1 (MANE Select); 306 bases into the intron before coding-DNA position 634, C replaced by T.
Molecular consequence: intron variant.
Genome position (GRCh38, 1-based): chr3:66,370,223, C>T. VCF-style: chr3-66370223-C-T. GRCh37 (hg19) VCF-style: chr3-66420647-C-T.
Other names: c.634-306C>T (NM_173471.4); c.370-306C>T (NM_001350993.1, NM_001164796.1).
Identifiers: ClinVar variation 674168 (VCV000674168.1), dbSNP rs9847478, ClinGen allele CA76439662.

ClinVar aggregate classification (germline): Benign (1 of 4 stars; one submission).

Allele frequency attached by ClinVar (database versions not stated): gnomAD 0.04938 and 0.05307; 1000 Genomes Project 0.04952; 1000 Genomes Project 30x 0.05418; TOPMed 0.05519.
gnomAD v4.1: 7,449 of 152,282 alleles (4.9%); highest among the groups gnomAD compares: African/African-American, 16%; 597 homozygotes.

Submission:

GeneDx
Classification: Benign. Last evaluated: 2018-06-19. Review status: criteria provided, single submitter. Criteria: GeneDx Variant Classification (06012015). Collection method: clinical testing. Allele origin: germline. Affected: yes.
Comment: This variant is considered likely benign or benign based on one or more of the following criteria: it is a conservative change, it occurs at a poorly conserved position in the protein, it is predicted to be benign by multiple in silico algorithms, and/or has population frequency not consistent with disease.